The following is an entry in ClinVar:

ClinVar aggregate classification (germline): Uncertain significance. Review status: criteria provided, multiple submitters, no conflicts (2 of 4 stars). 2 submissions from 2 submitters: Uncertain significance (2). Last evaluated 2024-10-13.

Conditions:
Inborn genetic diseases. Identifiers: MedGen C0950123, MeSH D030342.
Bone marrow failure syndrome 3 (BMFS3). Identifiers: MedGen C4310744, MONDO:0014887, OMIM 617052.

Allele frequency attached by ClinVar (database versions not stated): ExAC 0.00002.

Submissions (2):

Genomic Medicine Center of Excellence, King Faisal Specialist Hospital and Research Centre
Classification: Uncertain significance for Bone marrow failure syndrome 3. Last evaluated: 2024-10-13. Review status: criteria provided, single submitter. Criteria: ACMG Guidelines, 2015. Collection method: clinical testing. Allele origin: germline.
Comment: This variant (GRCh38; NM_001012339.3:c.203A>G:p.His68Arg) results in a missense mutation with the conversion of Histidine (Basic amino acid) to Arginine (Basic amino acid) in the DNAJC21 protein. Not observed at significant frequency in large population cohorts (gnomAD). This variant has a strong Conservation score. Multiple lines of computational evidence of this variant support a deleterious effect on the gene or gene product for this variant. A literature search was performed for the gene and associated variants. Based on this search no publications were found. Based on conflicting evidence or insufficient data to determine whether the variant is benign or pathogenic, the clinical significance of this alteration remains unclear. In summary, this variant meets our criteria for classification as of Unknown Clinical Significance based on the evidence outlined.

Ambry Genetics
Classification: Uncertain significance for Inborn genetic diseases. Last evaluated: 2022-10-12. Review status: criteria provided, single submitter. Criteria: Ambry Variant Classification Scheme 2023. Collection method: clinical testing. Allele origin: germline.

NM_001012339.3(DNAJC21):c.203A>G (p.His68Arg)

Gene: DNAJC21 (DnaJ heat shock protein family (Hsp40) member C21; plus strand). Cytogenetic location: 5p13.2.
Variant type: single nucleotide variant.
Coding change: c.203A>G on transcript NM_001012339.3 (MANE Select); coding-DNA position 203, A replaced by G.
Protein change: p.His68Arg; replaces histidine 68 with arginine.
Molecular consequence: missense variant.
Genome position (GRCh38, 1-based): chr5:34,935,721, A>G. VCF-style: chr5-34935721-A-G. GRCh37 (hg19) VCF-style: chr5-34935826-A-G.
Other names: c.203A>G, p.His68Arg (NM_001348420.2, NM_194283.4); short protein forms H68R.
Identifiers: ClinVar variation 2215909 (VCV002215909.3), dbSNP rs756980585, ClinGen allele CA3228374.